The following is an entry in ClinVar:

ClinVar aggregate classification (germline): Uncertain significance (1 of 4 stars; one submission).

Conditions:
Proline dehydrogenase deficiency (HYRPRO1). Also called: PROLINE OXIDASE DEFICIENCY; Hyperprolinemia type 1. Identifiers: Orphanet 419, MedGen C0268529, MONDO:0009400, OMIM 239500.

Allele frequency attached by ClinVar (database versions not stated): ESP Exome Variant Server 0.00015; 1000 Genomes Project 0.00020.

Submission:

Labcorp Genetics (formerly Invitae), Labcorp
Classification: Uncertain significance for Proline dehydrogenase deficiency. Last evaluated: 2023-12-11. Review status: criteria provided, single submitter. Criteria: Invitae Variant Classification Sherloc (09022015). Collection method: clinical testing. Allele origin: germline.
Comment: This sequence change falls in intron 9 of the PRODH gene. It does not directly change the encoded amino acid sequence of the PRODH protein. It affects a nucleotide within the consensus splice site. This variant is present in population databases (rs371062452, gnomAD 0.04%). This variant has not been reported in the literature in individuals affected with PRODH-related conditions. ClinVar contains an entry for this variant (Variation ID: 1388333). Variants that disrupt the consensus splice site are a relatively common cause of aberrant splicing (PMID: 17576681, 9536098). Algorithms developed to predict the effect of sequence changes on RNA splicing suggest that this variant is not likely to affect RNA splicing. In summary, the available evidence is currently insufficient to determine the role of this variant in disease. Therefore, it has been classified as a Variant of Uncertain Significance.

Literature cited by the submitters: PubMed 17576681; PubMed 9536098.

NM_016335.6(PRODH):c.1012-3C>T

Gene: PRODH (proline dehydrogenase 1; minus strand). Cytogenetic location: 22q11.21.
Variant type: single nucleotide variant.
Coding change: c.1012-3C>T on transcript NM_016335.6 (MANE Select); 3 bases into the intron before coding-DNA position 1012, C replaced by T.
Molecular consequence: intron variant.
Genome position (GRCh38, 1-based): chr22:18,919,801, G>A on the plus strand (C>T on the coding strand, the complement: PRODH is on the minus strand). VCF-style: chr22-18919801-G-A. GRCh37 (hg19) VCF-style: chr22-18907314-G-A.
Other names: c.688-3C>T (NM_001195226.2).
Identifiers: ClinVar variation 1388333 (VCV001388333.4), dbSNP rs371062452, ClinGen allele CA10095136.